The following is an entry in ClinVar:

NM_000090.4(COL3A1):c.1980T>A (p.Gly660=)

Gene: COL3A1 (collagen type III alpha 1 chain; plus strand). Cytogenetic location: 2q32.2.
Variant type: single nucleotide variant.
Coding change: c.1980T>A on transcript NM_000090.4 (MANE Select); coding-DNA position 1980, T replaced by A.
Protein change: p.Gly660=; no amino-acid change (glycine 660 retained).
Molecular consequence: synonymous variant.
Genome position (GRCh38, 1-based): chr2:188,998,676, T>A. VCF-style: chr2-188998676-T-A. GRCh37 (hg19) VCF-style: chr2-189863402-T-A.
Identifiers: ClinVar variation 827998 (VCV000827998.3), dbSNP rs1553508597, ClinGen allele CA430310055.

ClinVar aggregate classification (germline): Uncertain significance. Review status: criteria provided, single submitter (1 of 4 stars). 2 submissions from 1 submitter: Uncertain significance (2). Last evaluated 2019-04-29.

Conditions:
Polymicrogyria with or without vascular-type Ehlers-Danlos syndrome. Identifiers: Orphanet 636941, MedGen C5193040, MONDO:0032688, OMIM 618343.
Ehlers-Danlos syndrome, type 4 (EDSVASC). Also called: Ehlers-Danlos Syndrome Type IV; Ehlers-Danlos syndrome vascular type; Ehlers Danlos syndrome, ecchymotic type; Ehlers Danlos syndrome, arterial type; Ehlers Danlos syndrome, Sack-Barabas type. Identifiers: Orphanet 286, MedGen C0268338, MONDO:0017314, OMIM 130050.

Submissions (2):

Center for Genomics, Ann and Robert H. Lurie Children's Hospital of Chicago
Classification: Uncertain significance for Ehlers-Danlos syndrome, type 4. Last evaluated: 2019-04-29. Review status: criteria provided, single submitter. Criteria: ACMG Guidelines, 2015. Collection method: clinical testing. Allele origin: germline.
Comment: COL3A1 NM_000090.3 exon 29 p.Gly660= (c.1980T>A): This variant has not been reported in the literature and is not present in large control databases. This variant is present in ClinVar (Variation ID:529328). Evolutionary conservation and computational predictive tools for this variant are limited or unavailable. Of note, this variant is a silent variant and does not change the amino acid, reducing the probability that this variant is disease causing. In summary, data on this variant is insufficient for disease classification. Therefore, the clinical significance of this variant is uncertain.

Center for Genomics, Ann and Robert H. Lurie Children's Hospital of Chicago
Classification: Uncertain significance for Ehlers-Danlos syndrome, type 4; Polymicrogyria with or without vascular-type Ehlers-Danlos syndrome. Review status: criteria provided, single submitter. Criteria: ACMG Guidelines, 2015. Collection method: clinical testing. Allele origin: germline.
Comment: the same text as in the submission from Center for Genomics, Ann and Robert H. Lurie Children's Hospital of Chicago above.